The following is an entry in ClinVar:

ClinVar aggregate classification (germline): Uncertain significance (1 of 4 stars; one submission).

Conditions:
Inborn genetic diseases. Identifiers: MedGen C0950123, MeSH D030342.

Allele frequency attached by ClinVar (database versions not stated): gnomAD exomes below 0.00001.
gnomAD v4.1: 1 of 1,604,188 alleles (0.000062%); highest among the groups gnomAD compares: Non-Finnish European, 0.000085%; no homozygotes.

Submission:

Ambry Genetics
Classification: Uncertain significance for Inborn genetic diseases. Last evaluated: 2022-08-24. Review status: criteria provided, single submitter. Criteria: Ambry Variant Classification Scheme 2023. Collection method: clinical testing. Allele origin: germline.
Comment: The p.M2644T variant (also known as c.7931T>C), located in coding exon 47 of the ATR gene, results from a T to C substitution at nucleotide position 7931. The methionine at codon 2644 is replaced by threonine, an amino acid with similar properties. This amino acid position is conserved. In addition, the in silico prediction for this alteration is inconclusive. Since supporting evidence is limited at this time, the clinical significance of this alteration remains unclear.

NM_001184.4(ATR):c.7931T>C (p.Met2644Thr)

Gene: ATR (ATR checkpoint kinase; minus strand). Cytogenetic location: 3q23.
Variant type: single nucleotide variant.
Coding change: c.7931T>C on transcript NM_001184.4 (MANE Select); coding-DNA position 7931, T replaced by C.
Protein change: p.Met2644Thr; replaces methionine 2644 with threonine.
Molecular consequence: missense variant.
Genome position (GRCh38, 1-based): chr3:142,449,433, A>G on the plus strand (T>C on the coding strand, the complement: ATR is on the minus strand). VCF-style: chr3-142449433-A-G. GRCh37 (hg19) VCF-style: chr3-142168275-A-G.
Other names: c.7739T>C, p.Met2580Thr (NM_001354579.2); short protein forms M2580T, M2644T.
Identifiers: ClinVar variation 1761293 (VCV001761293.2), dbSNP rs2473008496, ClinGen allele CA354793617.